The following is an entry in ClinVar:

ClinVar aggregate classification (germline): Uncertain significance. Review status: criteria provided, multiple submitters, no conflicts (2 of 4 stars). 4 submissions from 4 submitters: Uncertain significance (4). Last evaluated 2025-08-07.

Conditions:
Colorectal cancer, susceptibility to, 12 (CRCS12). Also called: COLORECTAL CANCER, SUSCEPTIBILITY TO, ON CHROMOSOME 12q24. Identifiers: Orphanet 220460, MedGen C3554460, MONDO:0014038, OMIM 615083.
Facial dysmorphism-immunodeficiency-livedo-short stature syndrome. Also called: Facial dysmorphism, immunodeficiency, livedo, and short stature; FILS syndrome. Identifiers: Orphanet 352712, MedGen C3554576, MONDO:0014058, OMIM 615139.
Intrauterine growth retardation, metaphyseal dysplasia, adrenal hypoplasia congenita, genital anomalies, and immunodeficiency. Also called: IMAGEI SYNDROME. Identifiers: MedGen C5193036, MONDO:0032684, OMIM 618336.
Hereditary cancer-predisposing syndrome. Also called: Tumor predisposition; Neoplastic Syndromes, Hereditary; Hereditary Cancer Syndrome; Hereditary neoplastic syndrome. Identifiers: Orphanet 140162, MedGen C0027672, MeSH D009386, MONDO:0015356.

Allele frequency attached by ClinVar (database versions not stated): TOPMed 0.00001.
gnomAD v4.1: 20 of 1,613,338 alleles (0.0012%); highest among the groups gnomAD compares: African/African-American, 0.023%; no homozygotes.

Submissions (4):

Labcorp Genetics (formerly Invitae), Labcorp
Classification: Uncertain significance. Last evaluated: 2025-08-07. Review status: criteria provided, single submitter. Criteria: Invitae Variant Classification Sherloc (09022015). Collection method: clinical testing. Allele origin: germline.
Comment: This sequence change replaces leucine, which is neutral and non-polar, with valine, which is neutral and non-polar, at codon 2112 of the POLE protein (p.Leu2112Val). This variant is present in population databases (no rsID available, gnomAD 0.02%). This variant has not been reported in the literature in individuals affected with POLE-related conditions. ClinVar contains an entry for this variant (Variation ID: 240592). Invitae Evidence Modeling of protein sequence and biophysical properties (such as structural, functional, and spatial information, amino acid conservation, physicochemical variation, residue mobility, and thermodynamic stability) has been performed for this missense variant. However, the output from this modeling did not meet the statistical confidence thresholds required to predict the impact of this variant on POLE protein function. In summary, the available evidence is currently insufficient to determine the role of this variant in disease. Therefore, it has been classified as a Variant of Uncertain Significance.

Ambry Genetics
Classification: Uncertain significance for Hereditary cancer-predisposing syndrome. Last evaluated: 2025-02-06. Review status: criteria provided, single submitter. Criteria: Ambry Variant Classification Scheme 2023. Collection method: clinical testing. Allele origin: germline.
Comment: The p.L2112V variant (also known as c.6334C>G), located in coding exon 46 of the POLE gene, results from a C to G substitution at nucleotide position 6334. The leucine at codon 2112 is replaced by valine, an amino acid with highly similar properties. This amino acid position is conserved. In addition, this alteration is predicted to be tolerated by in silico analysis. Based on the available evidence, the clinical significance of this variant remains unclear.

GeneDx
Classification: Uncertain significance. Last evaluated: 2025-01-06. Review status: criteria provided, single submitter. Criteria: GeneDx Variant Classification Process June 2021. Collection method: clinical testing. Allele origin: germline. Affected: yes.
Comment: In silico analysis supports that this missense variant has a deleterious effect on protein structure/function; Has not been previously published as pathogenic or benign to our knowledge

Center for Genomics, Ann and Robert H. Lurie Children's Hospital of Chicago
Classification: Uncertain significance for Colorectal cancer, susceptibility to, 12; Facial dysmorphism-immunodeficiency-livedo-short stature syndrome; Intrauterine growth retardation, metaphyseal dysplasia, adrenal hypoplasia congenita, genital anomalies, and immunodeficiency. Review status: criteria provided, single submitter. Criteria: ACMG Guidelines, 2015. Collection method: clinical testing. Allele origin: germline.
Comment: POLE NM_006231.3 exon 46 p.Leu2112Val (c.6334C>G): This variant has not been reported in the literature but is present in 0.02% (5/24720) of African alleles in the Genome Aggregation Database. This variant is present in ClinVar (Variation ID:240592). Evolutionary conservation and computational predictive tools suggest that this variant may impact the protein. In summary, data on this variant is insufficient for disease classification. Therefore, the clinical significance of this variant is uncertain.

NM_006231.4(POLE):c.6334C>G (p.Leu2112Val)

Gene: POLE (DNA polymerase epsilon, catalytic subunit; minus strand). Cytogenetic location: 12q24.33.
Variant type: single nucleotide variant.
Coding change: c.6334C>G on transcript NM_006231.4 (MANE Select); coding-DNA position 6334, C replaced by G.
Protein change: p.Leu2112Val; replaces leucine 2112 with valine.
Molecular consequence: missense variant.
Genome position (GRCh38, 1-based): chr12:132,626,314, G>C on the plus strand (C>G on the coding strand, the complement: POLE is on the minus strand). VCF-style: chr12-132626314-G-C. GRCh37 (hg19) VCF-style: chr12-133202900-G-C.
Other names: short protein forms L2112V.
Identifiers: ClinVar variation 240592 (VCV000240592.20), dbSNP rs373443211, ClinGen allele CA10582971.
Genomic context (GRCh38, chr12:132,626,314, plus strand): 5'-GGCGAAGCAGGTCTCGGTTCAGCTTATTCACCTGGTTTGTGATGTTGGTGTCCAGGGACA[G>C]CACCTGCAGAGACCACAGCCCACATCGGGAAGGAGCTCCCGGGGCCTCCCTGCTGCTCTG-3'
Protein context (NP_006222.2, residues 2102-2122): LEFIKYVCKV[Leu2112Val]SLDTNITNQV